The following is an entry in ClinVar:

ClinVar aggregate classification (germline): Conflicting classifications of pathogenicity. Review status: criteria provided, conflicting classifications (1 of 4 stars). 4 submissions from 4 submitters: Uncertain significance (1); Likely benign (2). 1 of the submissions does not count toward it. Last evaluated 2026-01-01.

Conditions:
TMEM107-related disorder. Also called: TMEM107-related condition.

Allele frequency attached by ClinVar (database versions not stated): ExAC 0.00160; gnomAD 0.00161 and 0.00163; TOPMed 0.00176.

Submissions (4):

CeGaT Center for Human Genetics Tuebingen
Classification: Likely benign. Last evaluated: 2026-01-01. Review status: criteria provided, single submitter. Criteria: CeGaT Center For Human Genetics Tuebingen Variant Classification Criteria Version 2. Collection method: clinical testing. Allele origin: germline. Affected: yes. Observed: 6 variant alleles.
Comment: SNORD118: BS2

Labcorp Genetics (formerly Invitae), Labcorp
Classification: Likely benign. Last evaluated: 2025-11-19. Review status: criteria provided, single submitter. Criteria: Invitae Variant Classification Sherloc (09022015). Collection method: clinical testing. Allele origin: germline.

Blueprint Genetics
Classification: Uncertain significance. Last evaluated: 2024-11-06. Review status: criteria provided, single submitter. Criteria: ACMG Guidelines, 2015. Collection method: clinical testing. Allele origin: germline.

PreventionGenetics, part of Exact Sciences
Classification: Likely benign for TMEM107-related condition. Last evaluated: 2024-08-21. Review status: no assertion criteria provided. Collection method: clinical testing. Allele origin: germline. Not counted in ClinVar's aggregate classification.
Comment: This variant is classified as likely benign based on ACMG/AMP sequence variant interpretation guidelines (Richards et al. 2015 PMID: 25741868, with internal and published modifications).

NR_033294.2(SNORD118):n.49_50insC

Genes: SNORD118 (small nucleolar RNA, C/D box 118; minus strand), TMEM107 (transmembrane protein 107; minus strand). Cytogenetic location: 17p13.1.
Variant type: Insertion.
Molecular consequence: non-coding transcript variant (on NR_033294.2). On other transcripts: 3 prime UTR variant (5).
Genome position: GRCh38 VCF-style: chr17-8173539-T-TG. GRCh37 (hg19) VCF-style: chr17-8076857-T-TG.
Other names: c.*663_*664insC (NM_001351278.2, NM_001351279.2, NM_001351280.2 and 3 more transcripts).
Identifiers: ClinVar variation 1630244 (VCV001630244.31), dbSNP rs763286690, ClinGen allele CA8370728.